The following is an entry in ClinVar:

ClinVar aggregate classification (germline): Likely benign. Review status: criteria provided, multiple submitters, no conflicts (2 of 4 stars). 2 submissions from 2 submitters: Likely benign (2). Last evaluated 2026-02-26.

Conditions:
Perry syndrome. Also called: PARKINSONISM WITH ALVEOLAR HYPOVENTILATION AND MENTAL DEPRESSION. Identifiers: Orphanet 178509, MedGen C1868594, MONDO:0008201, OMIM 168605.
Amyotrophic lateral sclerosis type 1 (ALS1). Also called: AMYOTROPHIC LATERAL SCLEROSIS 1, FAMILIAL. Identifiers: Orphanet 803, MedGen C1862939, MONDO:0007103, OMIM 105400.
Neuronopathy, distal hereditary motor, type 7B. Also called: Distal Hereditary Motor Neuronopathy Type 7B (dHMN7B); NEURONOPATHY, DISTAL HEREDITARY MOTOR, AUTOSOMAL DOMINANT 14; NEURONOPATHY, DISTAL HEREDITARY MOTOR, HARDING TYPE VIIB; NEUROPATHY, DISTAL HEREDITARY MOTOR, HARDING TYPE VIIB; NEUROPATHY, DISTAL HEREDITARY MOTOR, WITH VOCAL CORD PARALYSIS, HARDING TYPE VIIB; HMN VIIB. Identifiers: Orphanet 139589, MedGen C1843315, MONDO:0011879, OMIM 607641.
DCTN1-related disorder. Also called: DCTN1-related condition.

gnomAD v4.1: 1 of 1,614,094 alleles (0.000062%); highest among the groups gnomAD compares: Non-Finnish European, 0.000085%; no homozygotes.

Submissions (2):

PreventionGenetics, part of Exact Sciences
Classification: Likely benign for DCTN1-related condition. Last evaluated: 2026-02-26. Review status: criteria provided, single submitter. Criteria: ACMG Guidelines, 2015. Collection method: clinical testing. Allele origin: germline.
Comment: This variant is classified as likely benign based on ACMG/AMP sequence variant interpretation guidelines (Richards et al. 2015 PMID: 25741868, with internal and published modifications).

Labcorp Genetics (formerly Invitae), Labcorp
Classification: Likely benign for Amyotrophic lateral sclerosis type 1; Neuronopathy, distal hereditary motor, type 7B; Perry syndrome. Last evaluated: 2022-11-02. Review status: criteria provided, single submitter. Criteria: Invitae Variant Classification Sherloc (09022015). Collection method: clinical testing. Allele origin: germline.

NM_004082.5(DCTN1):c.2034T>C (p.Ser678=)

Gene: DCTN1 (dynactin subunit 1; minus strand). Cytogenetic location: 2p13.1.
Variant type: single nucleotide variant.
Coding change: c.2034T>C on transcript NM_004082.5 (MANE Select); coding-DNA position 2034, T replaced by C.
Protein change: p.Ser678=; no amino-acid change (serine 678 retained).
Molecular consequence: synonymous variant. On other transcripts: non-coding transcript variant (1).
Genome position (GRCh38, 1-based): chr2:74,367,846, A>G on the plus strand (T>C on the coding strand, the complement: DCTN1 is on the minus strand). VCF-style: chr2-74367846-A-G. GRCh37 (hg19) VCF-style: chr2-74594973-A-G.
Other names: c.1974T>C, p.Ser658= (NM_001135040.3); c.1632T>C, p.Ser544= (NM_001135041.3, NM_023019.4); c.1923T>C, p.Ser641= (NM_001190836.2); c.2013T>C, p.Ser671= (NM_001190837.2); c.1983T>C, p.Ser661= (NM_001378991.1); c.1965T>C, p.Ser655= (NM_001378992.1).
Identifiers: ClinVar variation 2941246 (VCV002941246.4), dbSNP rs771810063, ClinGen allele CA427030781.